The following is an entry in ClinVar:

NM_004655.4(AXIN2):c.562C>T (p.Gln188Ter)

Gene: AXIN2 (axin 2; minus strand). Cytogenetic location: 17q24.1.
Variant type: single nucleotide variant.
Coding change: c.562C>T on transcript NM_004655.4 (MANE Select); coding-DNA position 562, C replaced by T.
Protein change: p.Gln188Ter; replaces glutamine 188 with a stop codon.
Molecular consequence: nonsense.
Genome position (GRCh38, 1-based): chr17:65,558,059, G>A on the plus strand (C>T on the coding strand, the complement: AXIN2 is on the minus strand). VCF-style: chr17-65558059-G-A. GRCh37 (hg19) VCF-style: chr17-63554177-G-A.
Other names: c.562C>T, p.Gln188Ter (NM_001363813.1); short protein forms Q188*.
Identifiers: ClinVar variation 2106227 (VCV002106227.6), dbSNP rs753803824, ClinGen allele CA400680876.

ClinVar aggregate classification (germline): Pathogenic. Review status: criteria provided, multiple submitters, no conflicts (2 of 4 stars). 2 submissions from 2 submitters: Pathogenic (2). Last evaluated 2023-05-17.

Conditions:
Oligodontia-cancer predisposition syndrome. Also called: TOOTH AGENESIS-COLORECTAL CANCER SYNDROME. Identifiers: Orphanet 300576, MedGen C1837750, MONDO:0012075, OMIM 608615. Disease mechanism: loss of function.

gnomAD v4.1: 1 of 1,613,968 alleles (0.000062%); highest among the groups gnomAD compares: Non-Finnish European, 0.000085%; no homozygotes.

Submissions (2):

Myriad Genetics, Inc.
Classification: Pathogenic for Oligodontia-cancer predisposition syndrome. Last evaluated: 2023-05-17. Review status: criteria provided, single submitter. Criteria: Myriad Autosomal Dominant, Autosomal Recessive and X-Linked Classification Criteria (2023). Collection method: clinical testing. Allele origin: unknown.
Comment: This variant is considered pathogenic. This variant creates a termination codon and is predicted to result in premature protein truncation.

Labcorp Genetics (formerly Invitae), Labcorp
Classification: Pathogenic for Oligodontia-cancer predisposition syndrome. Last evaluated: 2022-03-03. Review status: criteria provided, single submitter. Criteria: Invitae Variant Classification Sherloc (09022015). Collection method: clinical testing. Allele origin: germline.
Comment: This sequence change creates a premature translational stop signal (p.Gln188*) in the AXIN2 gene. It is expected to result in an absent or disrupted protein product. Loss-of-function variants in AXIN2 are known to be pathogenic (PMID: 15042511, 21416598). This variant is not present in population databases (gnomAD no frequency). For these reasons, this variant has been classified as Pathogenic. This variant has not been reported in the literature in individuals affected with AXIN2-related conditions.

Literature cited by the submitters: PubMed 15042511 (cited by Labcorp Genetics (formerly Invitae), Labcorp); PubMed 21416598 (cited by Labcorp Genetics (formerly Invitae), Labcorp).